The following is an entry in ClinVar:

ClinVar aggregate classification (germline): Conflicting classifications of pathogenicity. Review status: criteria provided, conflicting classifications (1 of 4 stars). 5 submissions from 5 submitters: Uncertain significance (3); Likely benign (1). 1 of the submissions does not count toward it. Last evaluated 2025-03-13.

Conditions:
Hereditary cancer-predisposing syndrome. Also called: Tumor predisposition; Neoplastic Syndromes, Hereditary; Hereditary Cancer Syndrome; Hereditary neoplastic syndrome. Identifiers: Orphanet 140162, MedGen C0027672, MeSH D009386, MONDO:0015356.
Ataxia-telangiectasia syndrome (AT). Also called: ATAXIA-TELANGIECTASIA, COMPLEMENTATION GROUP A; ATAXIA-TELANGIECTASIA, FRESNO VARIANT; LOUIS-BAR SYNDROME; Ataxia telangiectasia (A-T); Cerebello-oculocutaneous telangiectasia; Immunodeficiency with ataxia telangiectasia. Identifiers: Orphanet 100, MedGen C0004135, MONDO:0008840, OMIM 208900.

Submissions (5):

Ambry Genetics
Classification: Likely benign for Hereditary cancer-predisposing syndrome. Last evaluated: 2025-03-13. Review status: criteria provided, single submitter. Criteria: Ambry Variant Classification Scheme 2023. Collection method: clinical testing. Allele origin: germline.

Labcorp Genetics (formerly Invitae), Labcorp
Classification: Uncertain significance for Ataxia-telangiectasia syndrome. Last evaluated: 2024-02-13. Review status: criteria provided, single submitter. Criteria: Invitae Variant Classification Sherloc (09022015). Collection method: clinical testing. Allele origin: germline.
Comment: This sequence change replaces alanine, which is neutral and non-polar, with glycine, which is neutral and non-polar, at codon 1138 of the ATM protein (p.Ala1138Gly). This variant is not present in population databases (gnomAD no frequency). This variant has not been reported in the literature in individuals affected with ATM-related conditions. ClinVar contains an entry for this variant (Variation ID: 629009). An algorithm developed to predict the effect of missense changes on protein structure and function (PolyPhen-2) suggests that this variant is likely to be tolerated. In summary, the available evidence is currently insufficient to determine the role of this variant in disease. Therefore, it has been classified as a Variant of Uncertain Significance.

Color Diagnostics, LLC DBA Color Health
Classification: Uncertain significance for Hereditary cancer-predisposing syndrome. Last evaluated: 2023-12-05. Review status: criteria provided, single submitter. Criteria: ACMG Guidelines, 2015. Collection method: clinical testing. Allele origin: germline.
Comment: This missense variant replaces alanine with glycine at codon 1138 of the ATM protein. Computational prediction suggests that this variant may not impact protein structure and function (internally defined REVEL score threshold <= 0.5, PMID: 27666373). To our knowledge, functional studies have not been reported for this variant. This variant has not been reported in individuals affected with ATM-related disorders in the literature. This variant has not been identified in the general population by the Genome Aggregation Database (gnomAD). The available evidence is insufficient to determine the role of this variant in disease conclusively. Therefore, this variant is classified as a Variant of Uncertain Significance.

Women's Health and Genetics/Laboratory Corporation of America, LabCorp
Classification: Uncertain significance. Last evaluated: 2019-09-06. Review status: criteria provided, single submitter. Criteria: LabCorp Variant Classification Summary - May 2015. Collection method: clinical testing. Allele origin: germline.
Comment: Variant summary: ATM c.3413C>G (p.Ala1138Gly) results in a non-conservative amino acid change in the encoded protein sequence. Four of five in-silico tools predict a benign effect of the variant on protein function. The variant was absent in 250802 control chromosomes. The available data on variant occurrences in the general population are insufficient to allow any conclusion about variant significance. To our knowledge, no occurrence of c.3413C>G in individuals affected with Breast Cancer and no experimental evidence demonstrating its impact on protein function have been reported. One clinical diagnostic laboratory has submitted clinical-significance assessments for this variant to ClinVar after 2014 without evidence for independent evaluation and classified the variant as uncertain significance. Based on the evidence outlined above, the variant was classified as uncertain significance.

Natera, Inc.
Classification: Uncertain significance for Ataxia-telangiectasia. Last evaluated: 2020-06-08. Review status: no assertion criteria provided. Collection method: clinical testing. Allele origin: germline. Not counted in ClinVar's aggregate classification.

NM_000051.4(ATM):c.3413C>G (p.Ala1138Gly)

Gene: ATM (ATM serine/threonine kinase; plus strand). Cytogenetic location: 11q22.3.
Variant type: single nucleotide variant.
Coding change: c.3413C>G on transcript NM_000051.4 (MANE Select); coding-DNA position 3413, C replaced by G.
Protein change: p.Ala1138Gly; replaces alanine 1138 with glycine.
Molecular consequence: missense variant.
Genome position (GRCh38, 1-based): chr11:108,281,005, C>G. VCF-style: chr11-108281005-C-G. GRCh37 (hg19) VCF-style: chr11-108151732-C-G.
Other names: c.3413C>G, p.Ala1138Gly (NM_001351834.2); short protein forms A1138G.
Identifiers: ClinVar variation 629009 (VCV000629009.21), dbSNP rs1565441399, ClinGen allele CA382518876.